The following is an entry in ClinVar:

ClinVar aggregate classification (germline): Uncertain significance (1 of 4 stars; one submission).

Conditions:
Norman-Roberts syndrome (LIS2). Also called: Lissencephaly 2 (Norman-Roberts type). Identifiers: Orphanet 89844, MedGen C0796089, MONDO:0009760, OMIM 257320.
Familial temporal lobe epilepsy 7. Identifiers: Orphanet 101046, MedGen C4225327, MONDO:0014639, OMIM 616436.

Submission:

Labcorp Genetics (formerly Invitae), Labcorp
Classification: Uncertain significance for Familial temporal lobe epilepsy 7; Norman-Roberts syndrome. Last evaluated: 2018-09-14. Review status: criteria provided, single submitter. Criteria: Invitae Variant Classification Sherloc (09022015). Collection method: clinical testing. Allele origin: germline.
Comment: In summary, this variant is a novel missense change with uncertain impact on protein function. It has been classified as a Variant of Uncertain Significance. Algorithms developed to predict the effect of missense changes on protein structure and function do not agree on the potential impact of this missense change (SIFT: "Deleterious"; PolyPhen-2: "Possibly Damaging"; Align-GVGD: "Class C15"). This variant is not present in population databases (ExAC no frequency) and has not been reported in the literature in individuals with a RELN-related disease. This sequence change replaces valine with aspartic acid at codon 1506 of the RELN protein (p.Val1506Asp). The valine residue is highly conserved and there is a large physicochemical difference between valine and aspartic acid.

NM_005045.4(RELN):c.4517T>A (p.Val1506Asp)

Gene: RELN (reelin; minus strand). Cytogenetic location: 7q22.1.
Variant type: single nucleotide variant.
Coding change: c.4517T>A on transcript NM_005045.4 (MANE Select); coding-DNA position 4517, T replaced by A.
Protein change: p.Val1506Asp; replaces valine 1506 with aspartic acid.
Molecular consequence: missense variant.
Genome position (GRCh38, 1-based): chr7:103,572,255, A>T on the plus strand (T>A on the coding strand, the complement: RELN is on the minus strand). VCF-style: chr7-103572255-A-T. GRCh37 (hg19) VCF-style: chr7-103212702-A-T.
Other names: c.4517T>A, p.Val1506Asp (NM_173054.3); short protein forms V1506D.
Identifiers: ClinVar variation 475967 (VCV000475967.9), dbSNP rs1554381609, ClinGen allele CA368750082.
Genomic context (GRCh38, chr7:103,572,255, plus strand): 5'-GTTCTTGGTTTGATGCAGGTAATGCCTGAAGTTTTGCTTCCAATTTGTATATAAAATTGA[A>T]CAAGTCTGGGGAATAAAAACTTTAGTTTACTTACAAACAAGAGTTCAGAAGAGCTGTAAG-3'
Protein context (NP_005036.2, residues 1496-1516): VPLDTRNIRL[Val1506Asp]QFYIQIGSKT